The following is an entry in ClinVar:

NM_005120.3(MED12):c.4831C>T (p.Arg1611Cys)

Gene: MED12 (mediator complex subunit 12; plus strand). Cytogenetic location: Xq13.1.
Variant type: single nucleotide variant.
Coding change: c.4831C>T on transcript NM_005120.3 (MANE Select); coding-DNA position 4831, C replaced by T.
Protein change: p.Arg1611Cys; replaces arginine 1611 with cysteine.
Molecular consequence: missense variant.
Genome position (GRCh38, 1-based): chrX:71,134,816, C>T. VCF-style: chrX-71134816-C-T. GRCh37 (hg19) VCF-style: chrX-70354666-C-T.
Other names: short protein forms R1611C.
Identifiers: ClinVar variation 382204 (VCV000382204.7), dbSNP rs727503868, ClinGen allele CA16608571.

ClinVar aggregate classification (germline): Pathogenic/Likely pathogenic. Review status: criteria provided, multiple submitters, no conflicts (2 of 4 stars). 3 submissions from 3 submitters: Pathogenic (1); Likely pathogenic (2). Last evaluated 2022-02-10.

Conditions:
Blepharophimosis - intellectual disability syndrome, MKB type. Also called: BLEPHAROPHIMOSIS-MENTAL RETARDATION SYNDROME, MAAT-KIEVIT-BRUNNER TYPE; Ohdo syndrome, X-linked; X-Linked Ohdo Syndrome (XLOS). Identifiers: Orphanet 293707, MedGen C3698541, MONDO:0010477, OMIM 300895.
MED12-Related Disorders. Also called: MED12-related condition; MED12-related disorder. Identifiers: MedGen CN381102.

Submissions (3):

GeneDx
Classification: Pathogenic. Last evaluated: 2022-02-10. Review status: criteria provided, single submitter. Criteria: GeneDx Variant Classification Process June 2021. Collection method: clinical testing. Allele origin: germline. Affected: yes.
Comment: Not observed at significant frequency in large population cohorts (gnomAD); In silico analysis supports that this missense variant has a deleterious effect on protein structure/function; This variant is associated with the following publications: (PMID: 34143244)

Provincial Medical Genetics Program of British Columbia, University of British Columbia
Classification: Likely pathogenic for Blepharophimosis - intellectual disability syndrome, MKB type. Last evaluated: 2022-01-01. Review status: criteria provided, single submitter. Criteria: ACMG Guidelines, 2015. Collection method: clinical testing. Allele origin: maternal. Affected: yes.

Blueprint Genetics
Classification: Likely pathogenic for MED12-related disorders. Last evaluated: 2020-01-13. Review status: criteria provided, single submitter. Criteria: ACMG Guidelines, 2015. Collection method: clinical testing. Allele origin: germline. Affected: yes. Observed: 3 variant alleles.